The following is an entry in ClinVar:

NM_002439.5(MSH3):c.2285del (p.Ser762fs)

Gene: MSH3 (mutS homolog 3; plus strand). Cytogenetic location: 5q14.1.
Variant type: Deletion.
Coding change: c.2285del on transcript NM_002439.5 (MANE Select); coding-DNA position 2285, one base deleted (C; older notation c.2285delC).
Protein change: p.Ser762fs; shifts the reading frame from serine 762.
Molecular consequence: frameshift variant.
Genome position (GRCh38, 1-based): chr5:80,775,725, C deleted. VCF-style (leftmost placement, unchanged base first): chr5-80775724-TC-T. GRCh37 (hg19) VCF-style: chr5-80071543-TC-T.
Other names: short protein forms S762fs.
Identifiers: ClinVar variation 2673503 (VCV002673503.1), dbSNP rs2546777872, ClinGen allele CA2695198676.

ClinVar aggregate classification (germline): Pathogenic (1 of 4 stars; one submission).

Conditions:
Familial adenomatous polyposis 4 (FAP4). Also called: MSH3-related attenuated familial adenomatous polyposis. Identifiers: Orphanet 480536, MedGen C4310719, MONDO:0044300, OMIM 617100.

Submission:

Myriad Genetics, Inc.
Classification: Pathogenic for Familial adenomatous polyposis 4. Last evaluated: 2023-08-30. Review status: criteria provided, single submitter. Criteria: Myriad Autosomal Dominant, Autosomal Recessive and X-Linked Classification Criteria (2023). Collection method: clinical testing. Allele origin: unknown.
Comment: This variant is considered pathogenic. This variant creates a frameshift predicted to result in premature protein truncation.